The following is an entry in ClinVar:

NM_018129.4(PNPO):c.364-139T>C

Gene: PNPO (pyridoxamine 5'-phosphate oxidase; plus strand). Cytogenetic location: 17q21.32.
Variant type: single nucleotide variant.
Coding change: c.364-139T>C on transcript NM_018129.4 (MANE Select); 139 bases into the intron before coding-DNA position 364, T replaced by C.
Molecular consequence: intron variant.
Genome position (GRCh38, 1-based): chr17:47,945,420, T>C. VCF-style: chr17-47945420-T-C. GRCh37 (hg19) VCF-style: chr17-46022786-T-C.
Identifiers: ClinVar variation 677550 (VCV000677550.1), dbSNP rs146394681, ClinGen allele CA291295941.

ClinVar aggregate classification (germline): Likely benign (1 of 4 stars; one submission).

Allele frequency attached by ClinVar (database versions not stated): gnomAD exomes 0.00065; 1000 Genomes Project 30x 0.00562; gnomAD 0.00575 and 0.00624; 1000 Genomes Project 0.00619; TOPMed 0.00703.

Submission:

GeneDx
Classification: Likely benign. Last evaluated: 2018-06-14. Review status: criteria provided, single submitter. Criteria: GeneDx Variant Classification (06012015). Collection method: clinical testing. Allele origin: germline. Affected: yes.
Comment: This variant is considered likely benign or benign based on one or more of the following criteria: it is a conservative change, it occurs at a poorly conserved position in the protein, it is predicted to be benign by multiple in silico algorithms, and/or has population frequency not consistent with disease.